The following is an entry in ClinVar:

NM_001370259.2(MEN1):c.492C>T (p.Ala164=)

Gene: MEN1 (menin 1; minus strand). Cytogenetic location: 11q13.1.
Variant type: single nucleotide variant.
Coding change: c.492C>T on transcript NM_001370259.2 (MANE Select); coding-DNA position 492, C replaced by T.
Protein change: p.Ala164=; no amino-acid change (alanine 164 retained).
Molecular consequence: synonymous variant.
Genome position (GRCh38, 1-based): chr11:64,808,053, G>A on the plus strand (C>T on the coding strand, the complement: MEN1 is on the minus strand). VCF-style: chr11-64808053-G-A. GRCh37 (hg19) VCF-style: chr11-64575525-G-A.
Other names: c.507C>T, p.Ala169= (NM_000244.4, NM_130800.3, NM_130801.3 and 3 more transcripts); c.492C>T, p.Ala164= (NM_001370251.2, NM_001370260.2, NM_001370261.2 and 3 more transcripts).
Identifiers: ClinVar variation 36531 (VCV000036531.22), dbSNP rs146759807, ClinGen allele CA009441.

ClinVar aggregate classification (germline): Benign/Likely benign. Review status: criteria provided, multiple submitters, no conflicts (2 of 4 stars). 10 submissions from 10 submitters: Benign (2); Likely benign (7). 1 of the submissions does not count toward it. Last evaluated 2026-02-02.

Conditions:
Hereditary cancer-predisposing syndrome. Also called: Hereditary neoplastic syndrome; Neoplastic Syndromes, Hereditary; Tumor predisposition; Hereditary Cancer Syndrome. Identifiers: Orphanet 140162, MedGen C0027672, MeSH D009386, MONDO:0015356.
Multiple endocrine neoplasia, type 1 (MEN1). Also called: MEN I; WERMER SYNDROME; Endocrine adenomatosis multiple; MEN 1; MEA I. Identifiers: Orphanet 652, MedGen C0025267, MeSH D018761, MONDO:0007540, OMIM 131100.

Allele frequency attached by ClinVar (database versions not stated): ExAC 0.00003; gnomAD exomes 0.00005; ESP Exome Variant Server 0.00008; gnomAD 0.00010 and 0.00011; TOPMed 0.00010; 1000 Genomes Project 30x 0.00016; 1000 Genomes Project 0.00020.
gnomAD v4.1: 234 of 1,614,028 alleles (0.014%); highest among the groups gnomAD compares: Non-Finnish European, 0.019%; no homozygotes.

Submissions (10):

Labcorp Genetics (formerly Invitae), Labcorp
Classification: Likely benign for Multiple endocrine neoplasia, type 1. Last evaluated: 2026-02-02. Review status: criteria provided, single submitter. Criteria: Invitae Variant Classification Sherloc (09022015). Collection method: clinical testing. Allele origin: germline.

Women's Health and Genetics/Laboratory Corporation of America, LabCorp
Classification: Benign. Last evaluated: 2024-12-06. Review status: criteria provided, single submitter. Criteria: LabCorp Variant Classification Summary - May 2015. Collection method: clinical testing. Allele origin: germline.

Blueprint Genetics
Classification: Likely benign. Last evaluated: 2024-05-28. Review status: criteria provided, single submitter. Criteria: ACMG Guidelines, 2015. Collection method: clinical testing. Allele origin: germline.

All of Us Research Program, National Institutes of Health
Classification: Likely benign for Multiple endocrine neoplasia, type 1. Last evaluated: 2023-12-01. Review status: criteria provided, single submitter. Criteria: ACMG Guidelines, 2015. Collection method: clinical testing. Allele origin: germline. Inheritance: Autosomal dominant inheritance. Observed: 30 variant alleles, 30 heterozygotes.
Comment: This study involves interpretation of variants in research participants for the purpose of population health screening. Participant phenotype was not available at the time of variant classification. Additional details can be found in publication PMID: 35346344, PMCID: PMC8962531

Myriad Genetics, Inc.
Classification: Benign for Multiple endocrine neoplasia, type 1. Last evaluated: 2023-04-17. Review status: criteria provided, single submitter. Criteria: Myriad Autosomal Dominant, Autosomal Recessive and X-Linked Classification Criteria (2023). Collection method: clinical testing. Allele origin: unknown.
Comment: This variant is considered benign. This variant is a silent/synonymous amino acid change and it is not expected to impact splicing.

Color Diagnostics, LLC DBA Color Health
Classification: Likely benign for Multiple endocrine neoplasia, type 1. Last evaluated: 2022-11-06. Review status: criteria provided, single submitter. Criteria: ACMG Guidelines, 2015. Collection method: clinical testing. Allele origin: germline.

Sema4
Classification: Likely benign for Hereditary cancer-predisposing syndrome. Last evaluated: 2022-01-04. Review status: criteria provided, single submitter. Criteria: Sema4 Curation Guidelines. Collection method: curation. Allele origin: germline.

GeneDx
Classification: Likely benign. Last evaluated: 2017-04-11. Review status: criteria provided, single submitter. Criteria: GeneDx Variant Classification (06012015). Collection method: clinical testing. Allele origin: germline. Affected: yes.
Comment: This variant is considered likely benign or benign based on one or more of the following criteria: it is a conservative change, it occurs at a poorly conserved position in the protein, it is predicted to be benign by multiple in silico algorithms, and/or has population frequency not consistent with disease.

Ambry Genetics
Classification: Likely benign for Hereditary cancer-predisposing syndrome. Last evaluated: 2015-09-17. Review status: criteria provided, single submitter. Criteria: Ambry Variant Classification Scheme 2023. Collection method: clinical testing. Allele origin: germline.

Counsyl
Classification: Likely benign for Multiple endocrine neoplasia, type 1. Last evaluated: 2017-06-16. Review status: no assertion criteria provided. Collection method: clinical testing. Allele origin: unknown. Not counted in ClinVar's aggregate classification.